The following is an entry in ClinVar:

NM_013382.7(POMT2):c.1445G>T (p.Gly482Val)

Gene: POMT2 (protein O-mannosyltransferase 2; minus strand). Cytogenetic location: 14q24.3.
Variant type: single nucleotide variant.
Coding change: c.1445G>T on transcript NM_013382.7 (MANE Select); coding-DNA position 1445, G replaced by T.
Protein change: p.Gly482Val; replaces glycine 482 with valine.
Molecular consequence: missense variant.
Genome position (GRCh38, 1-based): chr14:77,285,520, C>A on the plus strand (G>T on the coding strand, the complement: POMT2 is on the minus strand). VCF-style: chr14-77285520-C-A. GRCh37 (hg19) VCF-style: chr14-77751863-C-A.
Other names: short protein forms G482V.
Identifiers: ClinVar variation 3236 (VCV000003236.5), dbSNP rs267606968, ClinGen allele CA252639.

ClinVar aggregate classification (germline): Uncertain significance. Review status: criteria provided, single submitter (1 of 4 stars). 2 submissions from 2 submitters: Uncertain significance (1). 1 of the submissions does not count toward it. Last evaluated 2022-07-15.

Conditions:
Muscular dystrophy-dystroglycanopathy (congenital with brain and eye anomalies), type A2. Also called: WALKER-WARBURG SYNDROME OR MUSCLE-EYE-BRAIN DISEASE, POMT2-RELATED; MUSCULAR DYSTROPHY-DYSTROGLYCANOPATHY (CONGENITAL WITH BRAIN AND EYE ANOMALIES), TYPE A, 2. Identifiers: Orphanet 588, Orphanet 899, MedGen C3150411, MONDO:0013154, OMIM 613150.
Muscular dystrophy-dystroglycanopathy (congenital with impaired intellectual development), type B, 2. Also called: MUSCULAR DYSTROPHY, CONGENITAL, POMT2-RELATED; Muscular dystrophy-dystroglycanopathy (congenital with intellectual disability), type B2. Identifiers: MedGen C3150416, MONDO:0013160, OMIM 613156.
Autosomal recessive limb-girdle muscular dystrophy type 2N. Also called: Muscular dystrophy-dystroglycanopathy (limb-girdle), type C, 2; MUSCULAR DYSTROPHY-DYSTROGLYCANOPATHY, LIMB-GIRDLE, POMT2-RELATED. Identifiers: Orphanet 206559, MedGen C3150418, MONDO:0013162, OMIM 613158.

Allele frequency attached by ClinVar (database versions not stated): gnomAD exomes below 0.00001.
gnomAD v4.1: 2 of 1,614,178 alleles (0.00012%); highest among the groups gnomAD compares: Non-Finnish European, 0.00017%; no homozygotes.

Submissions (2):

Labcorp Genetics (formerly Invitae), Labcorp
Classification: Uncertain significance for Muscular dystrophy-dystroglycanopathy (congenital with impaired intellectual development), type B, 2; Muscular dystrophy-dystroglycanopathy (congenital with brain and eye anomalies), type A2; Autosomal recessive limb-girdle muscular dystrophy type 2N. Last evaluated: 2022-07-15. Review status: criteria provided, single submitter. Criteria: Invitae Variant Classification Sherloc (09022015). Collection method: clinical testing. Allele origin: germline.
Comment: This missense change has been observed in individual(s) with congenital muscular dystrophy (PMID: 19138766). ClinVar contains an entry for this variant (Variation ID: 3236). Algorithms developed to predict the effect of missense changes on protein structure and function are either unavailable or do not agree on the potential impact of this missense change (SIFT: "Deleterious"; PolyPhen-2: "Probably Damaging"; Align-GVGD: "Class C15"). In summary, the available evidence is currently insufficient to determine the role of this variant in disease. Therefore, it has been classified as a Variant of Uncertain Significance. This variant is present in population databases (rs267606968, gnomAD 0.0009%). This sequence change replaces glycine, which is neutral and non-polar, with valine, which is neutral and non-polar, at codon 482 of the POMT2 protein (p.Gly482Val).

OMIM
Classification: Pathogenic for MUSCULAR DYSTROPHY-DYSTROGLYCANOPATHY (CONGENITAL WITH BRAIN AND EYE ANOMALIES), TYPE A, 2. Last evaluated: 2009-07-01. Review status: no assertion criteria provided. Collection method: literature only. Allele origin: germline. Not counted in ClinVar's aggregate classification.

Literature cited by the submitters: PubMed 19138766 (cited by Labcorp Genetics (formerly Invitae), Labcorp and OMIM).